The following is an entry in ClinVar:

NM_000424.4(KRT5):c.1270G>C (p.Ala424Pro)

Genes: KRT5 (keratin 5; minus strand), LOC126861525 (BRD4-independent group 4 enhancer GRCh37_chr12:52909857-52911056; plus strand). Cytogenetic location: 12q13.13.
Variant type: single nucleotide variant.
Coding change: c.1270G>C on transcript NM_000424.4 (MANE Select); coding-DNA position 1270, G replaced by C.
Protein change: p.Ala424Pro; replaces alanine 424 with proline.
Molecular consequence: missense variant.
Genome position (GRCh38, 1-based): chr12:52,516,806, C>G on the plus strand (G>C on the coding strand, the complement: KRT5 is on the minus strand). VCF-style: chr12-52516806-C-G. GRCh37 (hg19) VCF-style: chr12-52910590-C-G.
Other names: short protein forms A424P.
Identifiers: ClinVar variation 1198522 (VCV001198522.2), dbSNP rs748836260, ClinGen allele CA384924294.

ClinVar aggregate classification (germline): Likely pathogenic (1 of 4 stars; one submission).

gnomAD v4.1: 1 of 1,614,146 alleles (0.000062%); highest among the groups gnomAD compares: Admixed American, 0.0017%; no homozygotes.

Submission:

GeneDx
Classification: Likely pathogenic. Last evaluated: 2020-03-06. Review status: criteria provided, single submitter. Criteria: GeneDx Variant Classification Process June 2021. Collection method: clinical testing. Allele origin: germline. Affected: yes.
Comment: Reported previously in a parent and child affected with epidermolysis bullosa simplex, Weber-Cockayne subtype (Lev-Tov et al., 2012); Missense variants in this gene are often considered pathogenic (Stenson et al., 2014); In silico analysis supports that this missense variant has a deleterious effect on protein structure/function; Not observed at a significant frequency in large population cohorts (Lek et al., 2016); This variant is associated with the following publications: (PMID: 22747925)